The following is an entry in ClinVar:

ClinVar aggregate classification (germline): Uncertain significance (1 of 4 stars; one submission).

Conditions:
Ehlers-Danlos syndrome, classic type, 1 (EDSCL1). Also called: Ehlers-Danlos Syndrome, Classic Type, COL5A1-Related; EDS I; Ehlers-Danlos syndrome, type 1; EHLERS-DANLOS SYNDROME, GRAVIS TYPE; EHLERS-DANLOS SYNDROME, SEVERE CLASSIC TYPE. Identifiers: MedGen C0268335, MONDO:0019567, OMIM 130000.

Submission:

Labcorp Genetics (formerly Invitae), Labcorp
Classification: Uncertain significance for Ehlers-Danlos syndrome, classic type, 1. Last evaluated: 2017-09-20. Review status: criteria provided, single submitter. Criteria: Invitae Variant Classification Sherloc (09022015). Collection method: clinical testing. Allele origin: germline.
Comment: This sequence change replaces glycine with aspartic acid at codon 1057 of the COL5A1 protein (p.Gly1057Asp). The glycine residue is highly conserved and there is a moderate physicochemical difference between glycine and aspartic acid. This variant is not present in population databases (ExAC no frequency). This variant has not been reported in the literature in individuals with COL5A1-related disease. Algorithms developed to predict the effect of missense changes on protein structure and function (SIFT, PolyPhen-2, Align-GVGD) all suggest that this variant is likely to be disruptive, but these predictions have not been confirmed by published functional studies and their clinical significance is uncertain. In summary, the available evidence is currently insufficient to determine the role of this variant in disease. Therefore, it has been classified as a Variant of Uncertain Significance. Glycine residues within the Gly-Xaa-Yaa repeats of the triple helix domain are required for the structure and stability of fibrillar collagens (PMID: 7695699, 8218237, 19344236), and missense variants at these glycine residues in COL5A1 are more frequently observed in individuals with disease than in the general population (PMID: 22696272, 23587214). However, the clinical significance of this observation remains uncertain since only a limited number of affected individuals have been described to date.

Literature cited by the submitters: PubMed 7695699; PubMed 8218237; PubMed 19344236; PubMed 22696272; PubMed 23587214.

NM_000093.5(COL5A1):c.3170G>A (p.Gly1057Asp)

Gene: COL5A1 (collagen type V alpha 1 chain; plus strand). Cytogenetic location: 9q34.3.
Variant type: single nucleotide variant.
Coding change: c.3170G>A on transcript NM_000093.5 (MANE Select); coding-DNA position 3170, G replaced by A.
Protein change: p.Gly1057Asp; replaces glycine 1057 with aspartic acid.
Molecular consequence: missense variant.
Genome position (GRCh38, 1-based): chr9:134,805,030, G>A. VCF-style: chr9-134805030-G-A. GRCh37 (hg19) VCF-style: chr9-137696876-G-A.
Other names: c.3170G>A, p.Gly1057Asp (NM_001278074.1); short protein forms G1057D.
Identifiers: ClinVar variation 529273 (VCV000529273.10), dbSNP rs1554803568, ClinGen allele CA375450490.